The following is an entry in ClinVar:

NM_025243.4(SLC19A3):c.*1696G>T

Gene: SLC19A3 (solute carrier family 19 member 3; minus strand). Cytogenetic location: 2q36.3.
Variant type: single nucleotide variant.
Coding change: c.*1696G>T on transcript NM_025243.4 (MANE Select); 1696 bases downstream of the stop codon, G replaced by T.
Molecular consequence: 3 prime UTR variant.
Genome position (GRCh38, 1-based): chr2:227,685,701, C>A on the plus strand (G>T on the coding strand, the complement: SLC19A3 is on the minus strand). VCF-style: chr2-227685701-C-A. GRCh37 (hg19) VCF-style: chr2-228550417-C-A.
Identifiers: ClinVar variation 334848 (VCV000334848.5), dbSNP rs148557151, ClinGen allele CA10612707.
Genomic context (GRCh38, chr2:227,685,701, plus strand): 5'-ACCCTCAAATTAACCTCTCACTTCAGCCTCCCAAAATGCTGGGATTACAGGTGTGAGCCA[C>A]AGCTTCCAGCCTTAATATAAATCTTGACTCAGCATTCTTTATTCTCACTGTCAGACTGCT-3'

ClinVar aggregate classification (germline): Benign (1 of 4 stars; one submission).

Conditions:
Biotin-responsive basal ganglia disease (BTBGD). Also called: Thiamine Transporter-2 Deficiency; THIAMINE METABOLISM DYSFUNCTION SYNDROME 2 (BIOTIN- AND THIAMINE-RESPONSIVE TYPE); Thiamine metabolism dysfunction syndrome type 2; Thiamine metabolism dysfunction syndrome 2 (biotin- or thiamine-responsive encephalopathy type 2); thiamine-responsive encephalopathy. Identifiers: Orphanet 199348, Orphanet 65284, MedGen C1843807, MONDO:0011841, OMIM 607483.

Allele frequency attached by ClinVar (database versions not stated): gnomAD 0.00139 and 0.00200; TOPMed 0.00237; 1000 Genomes Project 30x 0.00937; 1000 Genomes Project 0.00978.

Submission:

Illumina Laboratory Services, Illumina
Classification: Benign for Biotin-responsive basal ganglia disease. Last evaluated: 2018-01-13. Review status: criteria provided, single submitter. Criteria: ICSL Variant Classification Criteria 13 December 2019. Collection method: clinical testing. Allele origin: germline.
Comment: This variant was observed in the ICSL laboratory as part of a predisposition screen in an ostensibly healthy population. It had not been previously curated by ICSL or reported in the Human Gene Mutation Database (HGMD: prior to June 1st, 2018), and was therefore a candidate for classification through an automated scoring system. Utilizing variant allele frequency, disease prevalence and penetrance estimates, and inheritance mode, an automated score was calculated to assess if this variant is too frequent to cause the disease. Based on the score and internal cut-off values, a variant classified as benign is not then subjected to further curation. The score for this variant resulted in a classification of benign for this disease.